The following is an entry in ClinVar:

ClinVar aggregate classification (germline): Uncertain significance (1 of 4 stars; one submission).

Conditions:
Fanconi anemia (FA). Also called: Fanconi's anemia. Identifiers: Orphanet 84, MedGen C0015625, MeSH D005199, MONDO:0019391.

Submission:

Labcorp Genetics (formerly Invitae), Labcorp
Classification: Uncertain significance for Fanconi anemia. Last evaluated: 2025-11-10. Review status: criteria provided, single submitter. Criteria: Invitae Variant Classification Sherloc (09022015). Collection method: clinical testing. Allele origin: germline.
Comment: This variant, c.2678_2680dup, results in the insertion of 1 amino acid(s) of the FANCM protein (p.Asp893_Leu894insHis), but otherwise preserves the integrity of the reading frame. This variant is not present in population databases (gnomAD no frequency). This variant has not been reported in the literature in individuals affected with FANCM-related conditions. ClinVar contains an entry for this variant (Variation ID: 2767423). In summary, the available evidence is currently insufficient to determine the role of this variant in disease. Therefore, it has been classified as a Variant of Uncertain Significance.

NM_020937.4(FANCM):c.2678_2680dup (p.Asp893_Leu894insHis)

Gene: FANCM (FA complementation group M; plus strand). Cytogenetic location: 14q21.2.
Variant type: Duplication.
Coding change: c.2678_2680dup on transcript NM_020937.4 (MANE Select); coding-DNA positions 2678 to 2680, 3 bases duplicated (ACC; older notation c.2678_2680dupACC).
Protein change: p.Asp893_Leu894insHis.
Molecular consequence: inframe insertion.
Genome position (GRCh38, 1-based): chr14:45,175,432-45,175,434, ACC duplicated. VCF-style (leftmost placement, unchanged base first): chr14-45175431-G-GACC. GRCh37 (hg19) VCF-style: chr14-45644634-G-GACC.
Other names: c.2600_2602dup, p.Asp867_Leu868insHis (NM_001308133.2).
Identifiers: ClinVar variation 2767423 (VCV002767423.3), dbSNP rs2503183065, ClinGen allele CA2697553918.